The following is an entry in ClinVar:

ClinVar aggregate classification (germline): Uncertain significance (1 of 4 stars; one submission).

Conditions:
Episodic ataxia type 1 (EA1). Also called: MYOKYMIA WITH PERIODIC ATAXIA; PAROXYSMAL ATAXIA WITH NEUROMYOTONIA, HEREDITARY; ATAXIA, EPISODIC, WITH MYOKYMIA; Episodic ataxia/myokymia syndrome. Identifiers: Orphanet 37612, Orphanet 972, MedGen C1719788, MONDO:0008047, OMIM 160120.

Allele frequency attached by ClinVar (database versions not stated): gnomAD exomes below 0.00001; gnomAD 0.00001; 1000 Genomes Project 30x 0.00016; 1000 Genomes Project 0.00040.

Submission:

Labcorp Genetics (formerly Invitae), Labcorp
Classification: Uncertain significance for Episodic ataxia type 1. Last evaluated: 2024-01-09. Review status: criteria provided, single submitter. Criteria: Invitae Variant Classification Sherloc (09022015). Collection method: clinical testing. Allele origin: germline.
Comment: This sequence change replaces alanine, which is neutral and non-polar, with valine, which is neutral and non-polar, at codon 15 of the KCNA1 protein (p.Ala15Val). This variant is not present in population databases (gnomAD no frequency). This variant has not been reported in the literature in individuals affected with KCNA1-related conditions. ClinVar contains an entry for this variant (Variation ID: 1990086). An algorithm developed to predict the effect of missense changes on protein structure and function (PolyPhen-2) suggests that this variant is likely to be tolerated. In summary, the available evidence is currently insufficient to determine the role of this variant in disease. Therefore, it has been classified as a Variant of Uncertain Significance.

NM_000217.3(KCNA1):c.44C>T (p.Ala15Val)

Genes: KCNA1 (potassium voltage-gated channel subfamily A member 1; plus strand), LOC130007218 (ATAC-STARR-seq lymphoblastoid silent region 4155; plus strand). Cytogenetic location: 12p13.32.
Variant type: single nucleotide variant.
Coding change: c.44C>T on transcript NM_000217.3 (MANE Select); coding-DNA position 44, C replaced by T.
Protein change: p.Ala15Val; replaces alanine 15 with valine.
Molecular consequence: missense variant.
Genome position (GRCh38, 1-based): chr12:4,911,422, C>T. VCF-style: chr12-4911422-C-T. GRCh37 (hg19) VCF-style: chr12-5020588-C-T.
Other names: short protein forms A15V.
Identifiers: ClinVar variation 1990086 (VCV001990086.4), dbSNP rs543311674, ClinGen allele CA231855305.